The following is an entry in ClinVar:

NM_000051.4(ATM):c.5677T>C (p.Ser1893Pro)

Gene: ATM (ATM serine/threonine kinase; plus strand). Cytogenetic location: 11q22.3.
Variant type: single nucleotide variant.
Coding change: c.5677T>C on transcript NM_000051.4 (MANE Select); coding-DNA position 5677, T replaced by C.
Protein change: p.Ser1893Pro; replaces serine 1893 with proline.
Molecular consequence: missense variant.
Genome position (GRCh38, 1-based): chr11:108,307,899, T>C. VCF-style: chr11-108307899-T-C. GRCh37 (hg19) VCF-style: chr11-108178626-T-C.
Other names: c.5677T>C, p.Ser1893Pro (NM_001351834.2); short protein forms S1893P.
Identifiers: ClinVar variation 2576411 (VCV002576411.3), dbSNP rs730881376, ClinGen allele CA382547723.

ClinVar aggregate classification (germline): Uncertain significance. Review status: criteria provided, multiple submitters, no conflicts (2 of 4 stars). 2 submissions from 2 submitters: Uncertain significance (2). Last evaluated 2025-03-04.

Conditions:
Hereditary cancer-predisposing syndrome. Also called: Tumor predisposition; Hereditary neoplastic syndrome; Neoplastic Syndromes, Hereditary; Hereditary Cancer Syndrome. Identifiers: Orphanet 140162, MedGen C0027672, MeSH D009386, MONDO:0015356.

Submissions (2):

Center for Genomic Medicine, Rigshospitalet, Copenhagen University Hospital
Classification: Uncertain significance. Last evaluated: 2025-03-04. Review status: criteria provided, single submitter. Criteria: ACMG Guidelines, 2015. Collection method: clinical testing. Allele origin: germline.

Ambry Genetics
Classification: Uncertain significance for Hereditary cancer-predisposing syndrome. Last evaluated: 2024-06-30. Review status: criteria provided, single submitter. Criteria: Ambry Variant Classification Scheme 2023. Collection method: clinical testing. Allele origin: germline.
Comment: The p.S1893P variant (also known as c.5677T>C), located in coding exon 37 of the ATM gene, results from a T to C substitution at nucleotide position 5677. The serine at codon 1893 is replaced by proline, an amino acid with similar properties. This amino acid position is conserved. In addition, this alteration is predicted to be tolerated by in silico analysis. Based on the available evidence, the clinical significance of this variant remains unclear.